The following is an entry in ClinVar:

ClinVar aggregate classification (germline): Conflicting classifications of pathogenicity. Review status: criteria provided, conflicting classifications (1 of 4 stars). 3 submissions from 3 submitters: Pathogenic (1); Uncertain significance (2). Last evaluated 2023-03-10.

Conditions:
Mucopolysaccharidosis, MPS-IV-A (MPS4A). Also called: Mucopolysaccharidosis Type IVA; GALACTOSAMINE-6-SULFATASE DEFICIENCY; GALNS DEFICIENCY; MORQUIO A DISEASE; MPS IVA; Morquio syndrome A, mild. Identifiers: Orphanet 309297, Orphanet 582, MedGen C0086651, MONDO:0009659, OMIM 253000.

Allele frequency attached by ClinVar (database versions not stated): ExAC 0.00001; gnomAD 0.00001.

Submissions (3):

Labcorp Genetics (formerly Invitae), Labcorp
Classification: Pathogenic for Mucopolysaccharidosis, MPS-IV-A. Last evaluated: 2023-03-10. Review status: criteria provided, single submitter. Criteria: Invitae Variant Classification Sherloc (09022015). Collection method: clinical testing. Allele origin: germline.
Comment: This sequence change replaces leucine, which is neutral and non-polar, with proline, which is neutral and non-polar, at codon 214 of the GALNS protein (p.Leu214Pro). This variant is present in population databases (rs771810111, gnomAD 0.005%). This missense change has been observed in individual(s) with mucopolysaccharidosis type IVA (PMID: 24726177). In at least one individual the data is consistent with being in trans (on the opposite chromosome) from a pathogenic variant. ClinVar contains an entry for this variant (Variation ID: 569811). Advanced modeling of protein sequence and biophysical properties (such as structural, functional, and spatial information, amino acid conservation, physicochemical variation, residue mobility, and thermodynamic stability) performed at Invitae indicates that this missense variant is expected to disrupt GALNS protein function. For these reasons, this variant has been classified as Pathogenic.

Genome-Nilou Lab
Classification: Uncertain significance for Mucopolysaccharidosis, MPS-IV-A. Last evaluated: 2021-11-07. Review status: criteria provided, single submitter. Criteria: ACMG Guidelines, 2015. Collection method: clinical testing. Allele origin: germline. Affected: no.

Laboratory of Diagnosis and Therapy of Lysosomal Disorders, University of Padova
Classification: Uncertain significance for Mucopolysaccharidosis, MPS-IV-A. Last evaluated: 2021-02-01. Review status: criteria provided, single submitter. Criteria: ACMG Guidelines, 2015. Collection method: curation. Allele origin: germline. Affected: yes.
Comment: In vivo functional studies supportive of a damaging effect on the gene product (low to null enzymatic activity in homozygotes; PS3_supporting); very low frequency in gnomAD v2.1.1 (PM2_moderate); multiple lines of computational evidence support a deleterious effect on the gene (PP3_supporting)

Literature cited by the submitters: PubMed 24726177 (cited by Labcorp Genetics (formerly Invitae), Labcorp and Laboratory of Diagnosis and Therapy of Lysosomal Disorders, University of Padova); PubMed 34387910 (cited by Laboratory of Diagnosis and Therapy of Lysosomal Disorders, University of Padova).

NM_000512.5(GALNS):c.641T>C (p.Leu214Pro)

Gene: GALNS (galactosamine (N-acetyl)-6-sulfatase; minus strand). Cytogenetic location: 16q24.3.
Variant type: single nucleotide variant.
Coding change: c.641T>C on transcript NM_000512.5 (MANE Select); coding-DNA position 641, T replaced by C.
Protein change: p.Leu214Pro; replaces leucine 214 with proline.
Molecular consequence: missense variant.
Genome position (GRCh38, 1-based): chr16:88,835,842, A>G on the plus strand (T>C on the coding strand, the complement: GALNS is on the minus strand). VCF-style: chr16-88835842-A-G. GRCh37 (hg19) VCF-style: chr16-88902250-A-G.
Other names: c.86T>C, p.Leu29Pro (NM_001323543.2); c.659T>C, p.Leu220Pro (NM_001323544.2); short protein forms L214P, L220P, L29P.
Identifiers: ClinVar variation 569811 (VCV000569811.14), dbSNP rs771810111, ClinGen allele CA8235038.